The following is an entry in ClinVar:

NM_152383.5(DIS3L2):c.198A>T (p.Gly66=)

Gene: DIS3L2 (DIS3 like 3'-5' exoribonuclease 2; plus strand). Cytogenetic location: 2q37.1.
Variant type: single nucleotide variant.
Coding change: c.198A>T on transcript NM_152383.5 (MANE Select); coding-DNA position 198, A replaced by T.
Protein change: p.Gly66=; no amino-acid change (glycine 66 retained).
Molecular consequence: synonymous variant. On other transcripts: non-coding transcript variant (2).
Genome position (GRCh38, 1-based): chr2:232,015,659, A>T. VCF-style: chr2-232015659-A-T. GRCh37 (hg19) VCF-style: chr2-232880369-A-T.
Other names: c.198A>T, p.Gly66= (NM_001257281.2, NM_001257282.2).
Identifiers: ClinVar variation 2794735 (VCV002794735.3), dbSNP rs2469595996, ClinGen allele CA431908882.
Genomic context (GRCh38, chr2:232,015,659, plus strand): 5'-AAAGAGCATATTTGAAACTTACATGTCCAAGGAGGATGTTTCAGAAGGCTTGAAGAGAGG[A>T]ACACTCATCCAGGTGCTTAAAATCTACTGGAAGGCTATTCTCTGAATATGTAGAATCCAA-3'
Protein context (NP_689596.4, residues 56-76): KEDVSEGLKR[Gly66=]TLIQGVLRIN

ClinVar aggregate classification (germline): Uncertain significance (1 of 4 stars; one submission).

Conditions:
Perlman syndrome (PRLMNS). Identifiers: Orphanet 2849, MedGen C0796113, MONDO:0009965, OMIM 267000.

Submission:

Labcorp Genetics (formerly Invitae), Labcorp
Classification: Uncertain significance for Perlman syndrome. Last evaluated: 2023-08-17. Review status: criteria provided, single submitter. Criteria: Invitae Variant Classification Sherloc (09022015). Collection method: clinical testing. Allele origin: germline.
Comment: In summary, the available evidence is currently insufficient to determine the role of this variant in disease. Therefore, it has been classified as a Variant of Uncertain Significance. Algorithms developed to predict the effect of sequence changes on RNA splicing suggest that this variant may disrupt the consensus splice site. This variant has not been reported in the literature in individuals affected with DIS3L2-related conditions. This variant is not present in population databases (gnomAD no frequency). This sequence change affects codon 66 of the DIS3L2 mRNA. It is a 'silent' change, meaning that it does not change the encoded amino acid sequence of the DIS3L2 protein.